The following is an entry in ClinVar:

ClinVar aggregate classification (germline): Likely benign. Review status: criteria provided, multiple submitters, no conflicts (2 of 4 stars). 2 submissions from 2 submitters: Likely benign (2). Last evaluated 2025-05-27.

Conditions:
Hypertrophic cardiomyopathy. Also called: HYPERTROPHIC MYOCARDIOPATHY. Identifiers: Orphanet 217569, MedGen C0007194, MeSH D002312, MONDO:0005045, HP:0001639.

Submissions (2):

Labcorp Genetics (formerly Invitae), Labcorp
Classification: Likely benign for Hypertrophic cardiomyopathy. Last evaluated: 2025-05-27. Review status: criteria provided, single submitter. Criteria: Invitae Variant Classification Sherloc (09022015). Collection method: clinical testing. Allele origin: germline.

GeneDx
Classification: Likely benign. Last evaluated: 2016-03-07. Review status: criteria provided, single submitter. Criteria: GeneDx Variant Classification (06012015). Collection method: clinical testing. Allele origin: germline. Affected: yes.
Comment: This variant is considered likely benign or benign based on one or more of the following criteria: it is a conservative change, it occurs at a poorly conserved position in the protein, it is predicted to be benign by multiple in silico algorithms, and/or has population frequency not consistent with disease.

NM_000257.4(MYH7):c.5790+9C>T

Gene: MYH7 (myosin heavy chain 7; minus strand). Cytogenetic location: 14q11.2.
Variant type: single nucleotide variant.
Coding change: c.5790+9C>T on transcript NM_000257.4 (MANE Select); 9 bases into the intron after coding-DNA position 5790, C replaced by T.
Molecular consequence: intron variant.
Genome position (GRCh38, 1-based): chr14:23,413,750, G>A on the plus strand (C>T on the coding strand, the complement: MYH7 is on the minus strand). VCF-style: chr14-23413750-G-A. GRCh37 (hg19) VCF-style: chr14-23882959-G-A.
Other names: c.5790+9C>T (LRG_384t1).
Identifiers: ClinVar variation 384553 (VCV000384553.8), dbSNP rs1057521992, ClinGen allele CA16606526.
Genomic context (GRCh38, chr14:23,413,750, plus strand): 5'-GTTTGAGGGTGCTCTGTCTGGGTATGCCTGCTGTGGGGGTGACTAGCAAAGCCCAAAAGA[G>A]GGACCCACCTTCGTGCCAATGTCACGGCTCTTGGCCCGCAGCTTGTTGACCTGGGACTCG-3'